The following is an entry in ClinVar:

NM_002335.4(LRP5):c.3256A>G (p.Met1086Val)

Gene: LRP5 (LDL receptor related protein 5; plus strand). Cytogenetic location: 11q13.2.
Variant type: single nucleotide variant.
Coding change: c.3256A>G on transcript NM_002335.4 (MANE Select); coding-DNA position 3256, A replaced by G.
Protein change: p.Met1086Val; replaces methionine 1086 with valine.
Molecular consequence: missense variant.
Genome position (GRCh38, 1-based): chr11:68,425,121, A>G. VCF-style: chr11-68425121-A-G. GRCh37 (hg19) VCF-style: chr11-68192589-A-G.
Other names: c.3256A>G (NM_002335.3); c.1513A>G, p.Met505Val (NM_001291902.2); short protein forms M1086V, M505V.
Identifiers: ClinVar variation 501237 (VCV000501237.20), dbSNP rs145774832, ClinGen allele CA6149926.

ClinVar aggregate classification (germline): Likely benign. Review status: criteria provided, multiple submitters, no conflicts (2 of 4 stars). 7 submissions from 7 submitters: Likely benign (6). 1 of the submissions does not count toward it. Last evaluated 2026-01-27.

Conditions:
Exudative vitreoretinopathy 4 (EVR4). Identifiers: Orphanet 891, MedGen C1866176, MONDO:0011151, OMIM 601813.
Polycystic liver disease 4 with or without kidney cysts. Identifiers: MedGen C4693479, MONDO:0044327, OMIM 617875.
Autosomal dominant osteopetrosis 1 (OPTA1). Also called: OSTEOPETROSIS, AUTOSOMAL DOMINANT, TYPE I. Identifiers: Orphanet 2783, MedGen C1843330, MONDO:0011877, OMIM 607634.
Osteoporosis with pseudoglioma (OPPG). Also called: osteoporosis-pseudoglioma syndrome. Identifiers: Orphanet 2788, MedGen C0432252, MONDO:0009820, OMIM 259770.
Exudative vitreoretinopathy 1 (EVR1). Also called: CRISWICK-SCHEPENS SYNDROME; FEVR, AUTOSOMAL DOMINANT; Familial exudative vitreoretinopathy, autosomal dominant. Identifiers: Orphanet 891, Orphanet 90050, MedGen C1851402, MONDO:0007589, OMIM 133780.
Osteoporosis. Identifiers: MedGen C0029456, MONDO:0005298, OMIM 166710, HP:0000939.
Worth disease. Also called: OSTEOSCLEROSIS, AUTOSOMAL DOMINANT; ENDOSTEAL HYPEROSTOSIS, AUTOSOMAL DOMINANT; Autosomal dominant osteosclerosis, Worth type. Identifiers: Orphanet 2790, MedGen C0432273, MONDO:0007764, OMIM 144750.
Bone mineral density quantitative trait locus 1 (BMND1). Identifiers: MedGen C1866079, OMIM 601884.
LRP5-related disorder. Also called: LRP5-related condition.

Allele frequency attached by ClinVar (database versions not stated): gnomAD exomes 0.00017 and 0.00042; ExAC 0.00048; 1000 Genomes Project 30x 0.00078; 1000 Genomes Project 0.00080; ESP Exome Variant Server 0.00115; gnomAD 0.00193 and 0.00208; TOPMed 0.00208.

Submissions (7):

Labcorp Genetics (formerly Invitae), Labcorp
Classification: Likely benign. Last evaluated: 2026-01-27. Review status: criteria provided, single submitter. Criteria: Invitae Variant Classification Sherloc (09022015). Collection method: clinical testing. Allele origin: germline.

Women's Health and Genetics/Laboratory Corporation of America, LabCorp
Classification: Likely benign. Last evaluated: 2026-01-16. Review status: criteria provided, single submitter. Criteria: LabCorp Variant Classification Summary - May 2015. Collection method: clinical testing. Allele origin: germline.

Blueprint Genetics
Classification: Likely benign. Last evaluated: 2024-07-04. Review status: criteria provided, single submitter. Criteria: ACMG Guidelines, 2015. Collection method: clinical testing. Allele origin: germline.

Fulgent Genetics
Classification: Likely benign for Exudative vitreoretinopathy 1; Worth disease; Osteoporosis; Osteoporosis with pseudoglioma; Exudative vitreoretinopathy 4; Bone mineral density quantitative trait locus 1; Autosomal dominant osteopetrosis 1; Polycystic liver disease 4 with or without kidney cysts. Last evaluated: 2021-10-26. Review status: criteria provided, single submitter. Criteria: ACMG Guidelines, 2015. Collection method: clinical testing. Allele origin: unknown.

Eurofins Ntd Llc (ga)
Classification: Likely benign. Last evaluated: 2017-04-19. Review status: criteria provided, single submitter. Criteria: EGL Classification Definitions 2015. Collection method: clinical testing. Allele origin: germline. Observed: 1 variant allele, 1 heterozygote.

Breakthrough Genomics
Classification: Likely benign. Review status: criteria provided, single submitter. Criteria: ACMG Guidelines, 2015. Collection method: not provided. Allele origin: germline. Inheritance: Autosomal recessive inheritance. Affected: yes.

PreventionGenetics, part of Exact Sciences
Classification: Likely benign for LRP5-related condition. Last evaluated: 2023-08-11. Review status: no assertion criteria provided. Collection method: clinical testing. Allele origin: germline. Not counted in ClinVar's aggregate classification.
Comment: This variant is classified as likely benign based on ACMG/AMP sequence variant interpretation guidelines (Richards et al. 2015 PMID: 25741868, with internal and published modifications).